The following is an entry in ClinVar:

ClinVar aggregate classification (germline): Benign. Review status: criteria provided, multiple submitters, no conflicts (2 of 4 stars). 2 submissions from 2 submitters: Benign (2). Last evaluated 2018-01-12.

Conditions:
FLNB-Related Spectrum Disorders.

Allele frequency attached by ClinVar (database versions not stated): gnomAD 0.05968 and 0.06399; 1000 Genomes Project 0.06550; TOPMed 0.06829; 1000 Genomes Project 30x 0.07027.

Submissions (2):

Illumina Laboratory Services, Illumina
Classification: Benign for FLNB-Related Spectrum Disorders. Last evaluated: 2018-01-12. Review status: criteria provided, single submitter. Criteria: ICSL Variant Classification Criteria 13 December 2019. Collection method: clinical testing. Allele origin: germline.
Comment: This variant was observed in the ICSL laboratory as part of a predisposition screen in an ostensibly healthy population. It had not been previously curated by ICSL or reported in the Human Gene Mutation Database (HGMD: prior to June 1st, 2018), and was therefore a candidate for classification through an automated scoring system. Utilizing variant allele frequency, disease prevalence and penetrance estimates, and inheritance mode, an automated score was calculated to assess if this variant is too frequent to cause the disease. Based on the score and internal cut-off values, a variant classified as benign is not then subjected to further curation. The score for this variant resulted in a classification of benign for this disease.

Breakthrough Genomics
Classification: Benign. Review status: criteria provided, single submitter. Criteria: ACMG Guidelines, 2015. Collection method: not provided. Allele origin: germline. Inheritance: Autosomal recessive inheritance. Affected: yes.

NM_001457.4(FLNB):c.*1122T>C

Gene: FLNB (filamin B; plus strand). Cytogenetic location: 3p14.3.
Variant type: single nucleotide variant.
Coding change: c.*1122T>C on transcript NM_001457.4 (MANE Select); 1122 bases downstream of the stop codon, T replaced by C.
Molecular consequence: 3 prime UTR variant.
Genome position (GRCh38, 1-based): chr3:58,171,884, T>C. VCF-style: chr3-58171884-T-C. GRCh37 (hg19) VCF-style: chr3-58157611-T-C.
Other names: c.*1122T>C (NM_001164317.2, NM_001164318.2, NM_001164319.2).
Identifiers: ClinVar variation 346386 (VCV000346386.6), dbSNP rs9613, ClinGen allele CA10619344.